The following is an entry in ClinVar:

NM_024422.6(DSC2):c.2428A>G (p.Arg810Gly)

Gene: DSC2 (desmocollin 2; minus strand). Cytogenetic location: 18q12.1.
Variant type: single nucleotide variant.
Coding change: c.2428A>G on transcript NM_024422.6 (MANE Select); coding-DNA position 2428, A replaced by G.
Protein change: p.Arg810Gly; replaces arginine 810 with glycine.
Molecular consequence: missense variant.
Genome position (GRCh38, 1-based): chr18:31,068,974, T>C on the plus strand (A>G on the coding strand, the complement: DSC2 is on the minus strand). VCF-style: chr18-31068974-T-C. GRCh37 (hg19) VCF-style: chr18-28648940-T-C.
Other names: c.1999A>G, p.Arg667Gly (NM_001406506.1, NM_001406507.1); c.2428A>G, p.Arg810Gly (NM_004949.5); short protein forms R667G, R810G.
Identifiers: ClinVar variation 4807261 (VCV004807261.1).

ClinVar aggregate classification (germline): Uncertain significance (1 of 4 stars; one submission).

Conditions:
Arrhythmogenic right ventricular dysplasia 11. Also called: ARRHYTHMOGENIC RIGHT VENTRICULAR DYSPLASIA, FAMILIAL, 11; Arrhythmogenic Right Ventricular Dysplasia/Cardiomyopathy11; Arrhythmogenic right ventricular dysplasia 11 with mild palmoplantar keratoderma and woolly hair. Identifiers: MedGen C1864850, MONDO:0012506, OMIM 610476.

gnomAD v4.1: 10 of 1,614,090 alleles (0.00062%); highest among the groups gnomAD compares: Non-Finnish European, 0.00085%; no homozygotes.

Submission:

Labcorp Genetics (formerly Invitae), Labcorp
Classification: Uncertain significance for Arrhythmogenic right ventricular dysplasia 11. Last evaluated: 2025-11-28. Review status: criteria provided, single submitter. Criteria: Invitae Variant Classification Sherloc (09022015). Collection method: clinical testing. Allele origin: germline.
Comment: This sequence change replaces arginine, which is basic and polar, with glycine, which is neutral and non-polar, at codon 810 of the DSC2 protein (p.Arg810Gly). This variant is not present in population databases (gnomAD no frequency). This variant has not been reported in the literature in individuals affected with DSC2-related conditions. Invitae Evidence Modeling of protein sequence and biophysical properties (such as structural, functional, and spatial information, amino acid conservation, physicochemical variation, residue mobility, and thermodynamic stability) indicates that this missense variant is not expected to disrupt DSC2 protein function with a negative predictive value of 80%. In summary, the available evidence is currently insufficient to determine the role of this variant in disease. Therefore, it has been classified as a Variant of Uncertain Significance.